The following is an entry in ClinVar:

NM_181507.2(HPS5):c.2436G>C (p.Leu812Phe)

Gene: HPS5 (HPS5 biogenesis of lysosomal organelles complex 2 subunit 2; minus strand). Cytogenetic location: 11p15.1.
Variant type: single nucleotide variant.
Coding change: c.2436G>C on transcript NM_181507.2 (MANE Select); coding-DNA position 2436, G replaced by C.
Protein change: p.Leu812Phe; replaces leucine 812 with phenylalanine.
Molecular consequence: missense variant.
Genome position (GRCh38, 1-based): chr11:18,291,446, C>G on the plus strand (G>C on the coding strand, the complement: HPS5 is on the minus strand). VCF-style: chr11-18291446-C-G. GRCh37 (hg19) VCF-style: chr11-18312993-C-G.
Other names: c.2094G>C, p.Leu698Phe (NM_007216.4, NM_181508.2); short protein forms L812F, L698F.
Identifiers: ClinVar variation 1929814 (VCV001929814.2), dbSNP rs1350847989, ClinGen allele CA379488658.

ClinVar aggregate classification (germline): Uncertain significance (1 of 4 stars; one submission).

Allele frequency attached by ClinVar (database versions not stated): gnomAD exomes below 0.00001; gnomAD 0.00001; TOPMed 0.00001.
gnomAD v4.1: 3 of 1,584,978 alleles (0.00019%); highest among the groups gnomAD compares: Non-Finnish European, 0.00026%; no homozygotes.

Submission:

Labcorp Genetics (formerly Invitae), Labcorp
Classification: Uncertain significance. Last evaluated: 2022-02-13. Review status: criteria provided, single submitter. Criteria: Invitae Variant Classification Sherloc (09022015). Collection method: clinical testing. Allele origin: germline.
Comment: This sequence change replaces leucine, which is neutral and non-polar, with phenylalanine, which is neutral and non-polar, at codon 812 of the HPS5 protein (p.Leu812Phe). This variant is not present in population databases (gnomAD no frequency). This variant has not been reported in the literature in individuals affected with HPS5-related conditions. Algorithms developed to predict the effect of missense changes on protein structure and function are either unavailable or do not agree on the potential impact of this missense change (SIFT: "Tolerated"; PolyPhen-2: "Probably Damaging"; Align-GVGD: "Class C0"). In summary, the available evidence is currently insufficient to determine the role of this variant in disease. Therefore, it has been classified as a Variant of Uncertain Significance.